The following is an entry in ClinVar:

NM_001042492.3(NF1):c.4724+3A>G

Gene: NF1 (neurofibromin 1; plus strand). Cytogenetic location: 17q11.2.
Variant type: single nucleotide variant.
Coding change: c.4724+3A>G on transcript NM_001042492.3 (MANE Select); 3 bases into the intron after coding-DNA position 4724, A replaced by G.
Molecular consequence: intron variant.
Genome position (GRCh38, 1-based): chr17:31,261,860, A>G. VCF-style: chr17-31261860-A-G. GRCh37 (hg19) VCF-style: chr17-29588878-A-G.
Other names: c.4661+3A>G (NM_000267.4).
Identifiers: ClinVar variation 220183 (VCV000220183.17), dbSNP rs781147524, ClinGen allele CA350081.

ClinVar aggregate classification (germline): Conflicting classifications of pathogenicity. Review status: criteria provided, conflicting classifications (1 of 4 stars). 7 submissions from 6 submitters: Uncertain significance (6); Likely benign (1). Last evaluated 2025-11-25.

Conditions:
Hereditary cancer-predisposing syndrome. Also called: Tumor predisposition; Hereditary neoplastic syndrome; Neoplastic Syndromes, Hereditary; Hereditary Cancer Syndrome. Identifiers: Orphanet 140162, MedGen C0027672, MeSH D009386, MONDO:0015356.
Cardiovascular phenotype. Identifiers: MedGen CN230736.
Juvenile myelomonocytic leukemia (JMML). Also called: LEUKEMIA, JUVENILE MYELOMONOCYTIC, SOMATIC. Identifiers: Orphanet 86834, MedGen C0349639, MONDO:0011908, OMIM 607785, HP:0012209.
Neurofibromatosis, type 1 (NF1). Also called: Peripheral type neurofibromatosis; NEUROFIBROMATOSIS, TYPE I, SOMATIC; Neurofibromatosis, type I; VON RECKLINGHAUSEN DISEASE. Identifiers: Orphanet 636, MedGen C0027831, MONDO:0018975, OMIM 162200. Disease mechanism: loss of function.

Allele frequency attached by ClinVar (database versions not stated): ExAC 0.00001; gnomAD exomes 0.00001; TOPMed 0.00001.
gnomAD v4.1: 10 of 1,612,884 alleles (0.00062%); highest among the groups gnomAD compares: African/African-American, 0.0013%; no homozygotes.

Submissions (7):

Labcorp Genetics (formerly Invitae), Labcorp
Classification: Likely benign for Neurofibromatosis, type 1. Last evaluated: 2025-11-25. Review status: criteria provided, single submitter. Criteria: Invitae Variant Classification Sherloc (09022015). Collection method: clinical testing. Allele origin: germline.

Institute for Biomarker Research, Medical Diagnostic Laboratories, L.L.C.
Classification: Uncertain significance for Hereditary cancer-predisposing syndrome. Last evaluated: 2025-01-27. Review status: criteria provided, single submitter. Criteria: ACMG Guidelines, 2015. Collection method: clinical testing. Allele origin: germline.
Comment: The splice region variant NM_000267.3(NF1):c.4661+3A>G has not been reported previously as a pathogenic variant nor as a benign variant, to our knowledge. The c.4661+3A>G variant is novel (not in any individuals) in 1kG. The c.4661+3A>G variant is not predicted to disrupt the existing donor splice site 1bp upstream by 3 of 4 splice site algorithms. For these reasons, this variant has been classified as Uncertain Significance.

Baylor Genetics
Classification: Uncertain significance for Juvenile myelomonocytic leukemia. Last evaluated: 2023-03-15. Review status: criteria provided, single submitter. Criteria: ACMG Guidelines, 2015. Collection method: clinical testing. Allele origin: unknown.

Ambry Genetics
Classification: Uncertain significance for Cardiovascular phenotype; Hereditary cancer-predisposing syndrome. Last evaluated: 2022-10-12. Review status: criteria provided, single submitter. Criteria: Ambry Variant Classification Scheme 2023. Collection method: clinical testing. Allele origin: germline.
Comment: The c.4661+3A>G intronic alteration consists of a A to G substitution nucleotides after coding exon 34 in the NF1 gene. Based on insufficient or conflicting evidence, the clinical significance of this alteration remains unclear.

GeneDx
Classification: Uncertain significance. Last evaluated: 2022-04-16. Review status: criteria provided, single submitter. Criteria: GeneDx Variant Classification Process June 2021. Collection method: clinical testing. Allele origin: germline. Affected: yes.
Comment: Has not been previously published as pathogenic or benign to our knowledge; In-silico analysis is inconclusive as to whether the variant alters gene splicing. In the absence of RNA/functional studies, the actual effect of this sequence change is unknown.

Genome-Nilou Lab
Classification: Uncertain significance for Neurofibromatosis, type 1. Last evaluated: 2022-03-15. Review status: criteria provided, single submitter. Criteria: ACMG Guidelines, 2015. Collection method: clinical testing. Allele origin: germline. Affected: no.

Ambry Genetics
Classification: Uncertain significance for Hereditary cancer-predisposing syndrome. Last evaluated: 2015-12-08. Review status: criteria provided, single submitter. Criteria: Ambry Autosomal Dominant and X-Linked criteria (10/2015). Collection method: clinical testing. Allele origin: germline. Observed: 1 variant allele.
Comment: The c.4724+3A>G intronic variant results from an A to G substitution 3 nucleotides after coding exon 35 in the NF1 gene. This variant was not reported in population based cohorts in the following databases: Database of Single Nucleotide Polymorphisms (dbSNP), NHLBI Exome Sequencing Project (ESP), and 1000 Genomes Project. In the ESP, this variant was not observed in 6503 samples (13006 alleles) with coverage at this position. To date, this alteration has been detected with an allele frequency of approximately 0.002% (greater than 110000 alleles tested) in our clinical cohort. This nucleotide position is well conserved in available vertebrate species. Using two different splice site prediction tools, this alteration is predicted by BDGP to abolish the native donor splice site, but is not predicted to have a deleterious effect on this donor splice site by ESEfinder; however, direct evidence is unavailable. Since supporting evidence is limited at this time, the clinical significance of c.4724+3A>G remains unclear.